The following is an entry in ClinVar:

ClinVar aggregate classification (germline): Benign. Review status: reviewed by expert panel (3 of 4 stars). 4 submissions from 4 submitters: Benign (1). 3 of the submissions do not count toward it. Last evaluated 2025-01-07.

Conditions:
Mitochondrial disease. Also called: Mitochondrial disorder; Mitochondrial disorders. Identifiers: Orphanet 68380, MedGen C0751651, MeSH D028361, MONDO:0044970.

Submissions (4):

ClinGen Mitochondrial Disease Nuclear and Mitochondrial  Variant Curation Expert Panel, ClinGen
Classification: Benign for Mitochondrial disease. Last evaluated: 2025-01-07. Review status: reviewed by expert panel. Criteria: clingen mito disease acmg specifications v1-1. Collection method: curation. Allele origin: germline. Inheritance: Mitochondrial inheritance.
Comment: The m.12372G>A (p.Leu12=) variant in MT-ND5 is a synonymous variant (BP7) and has not been reported in individuals with primary mitochondrial disease. This variant is seen in 13.9% of individuals in the GenBank dataset, 15.8% of individuals in gnomAD v3.1.2, and in 20.2% of individuals in the Helix dataset (BA1). This variant is associated with haplogroups U and K. In summary, this variant meets criteria to be classified as benign for primary mitochondrial disease inherited in a mitochondrial manner. This classification was approved by the NICHD/NINDS U24 ClinGen Mitochondrial Disease Variant Curation Expert Panel on January 7, 2025. Mitochondrial DNA-specific ACMG/AMP criteria applied (PMID: 32906214): BA1, BP7.

Laboratory of Genetics, Children's Clinical University Hospital Latvia
Classification: Benign. Last evaluated: 2025-02-16. Review status: criteria provided, single submitter. Criteria: ACMG Guidelines, 2015. Collection method: clinical testing. Allele origin: germline. Affected: yes. Not counted in ClinVar's aggregate classification.

Genomic Research Center, Shahid Beheshti University of Medical Sciences
Classification: Benign for Mitochondrial disease. Last evaluated: 2024-07-20. Review status: criteria provided, single submitter. Criteria: ACMG Guidelines, 2015. Collection method: clinical testing. Allele origin: inherited. Affected: yes. Not counted in ClinVar's aggregate classification.

Mendelics
Classification: Benign. Last evaluated: 2022-05-04. Review status: criteria provided, single submitter. Criteria: Mendelics Assertion Criteria 2019. Collection method: clinical testing. Allele origin: germline. Not counted in ClinVar's aggregate classification.

NC_012920.1(MT-ND5):m.12372G>A

Gene: MT-ND5 (mitochondrially encoded NADH dehydrogenase 5; plus strand).
Variant type: single nucleotide variant.
Genome position: chrM-12372-G-A.
Identifiers: ClinVar variation 522717 (VCV000522717.8), dbSNP rs2853499, ClinGen allele CA337099467.